The following is an entry in ClinVar:

ClinVar aggregate classification (germline): Uncertain significance (1 of 4 stars; one submission).

Submission:

GeneDx
Classification: Uncertain significance. Last evaluated: 2026-08-06. Review status: criteria provided, single submitter. Criteria: GeneDx Variant Classification Process June 2021. Collection method: clinical testing. Allele origin: germline.
Comment: Not observed at significant frequency in large population cohorts (gnomAD); Missense variants in this gene are a common cause of disease and they are underrepresented in the general population; In silico analysis supports that this missense variant has a deleterious effect on protein structure/function; Has not been previously published as pathogenic or benign to our knowledge

NM_006306.4(SMC1A):c.3356G>A (p.Gly1119Glu)

Gene: SMC1A (structural maintenance of chromosomes 1A; minus strand). Cytogenetic location: Xp11.22.
Variant type: single nucleotide variant.
Coding change: c.3356G>A on transcript NM_006306.4 (MANE Select); coding-DNA position 3356, G replaced by A.
Protein change: p.Gly1119Glu; replaces glycine 1119 with glutamic acid.
Molecular consequence: missense variant.
Genome position (GRCh38, 1-based): chrX:53,382,313, C>T on the plus strand (G>A on the coding strand, the complement: SMC1A is on the minus strand). VCF-style: chrX-53382313-C-T. GRCh37 (hg19) VCF-style: chrX-53409234-C-T.
Other names: c.3290G>A, p.Gly1097Glu (NM_001281463.1); short protein forms G1097E, G1119E.
Identifiers: ClinVar variation 3365761 (VCV003365761.2).
Genomic context (GRCh38, chrX:53,382,313, plus strand): 5'-GCCAGAGCTGCCACTGTCTTCTCCCCGCCTGACAAGTTGTCCATAGGCCGGAAGCGTTTC[C>T]CAGGAGCCACACAGTTGTAGTTGATGCCATCCAAGTAGGGCTCTTCAGGGTTCTCAGGGC-3'
Protein context (NP_006297.2, residues 1109-1129): DGINYNCVAP[Gly1119Glu]KRFRPMDNLS